The following is an entry in ClinVar:

ClinVar aggregate classification (germline): Pathogenic (1 of 4 stars; one submission).

Submission:

Quest Diagnostics Nichols Institute San Juan Capistrano
Classification: Pathogenic. Last evaluated: 2021-12-29. Review status: criteria provided, single submitter. Criteria: ACMG/ClinGen CNV Guidelines, 2019. Collection method: clinical testing. Allele origin: unknown.
Comment: Recurrent deletions and duplications including TBX6 gene in the proximal 16p11.2 region (OMIM 611913, OMIM 614671) cause substantial susceptibility to autism (Hanson E, et al., Biol Psychiatry. 2015 May 1;77(9):785-93 PMID 25064419; Steinman KJ, et al., Am J Med Genet A. 2016 Nov;170(11):2943-2955; Weiss et al, N Engl J Med. 2008 Feb 14;358(7):667-75, PMID: 18184952; Fernandez et al., J Med Genet. 2010 Mar;47(3):195-203, PMID: 19755429). This genomic gain is also associated with developmental delay, microcephaly, ADHD, epilepsy, and dysmorphic features (Shinawi et al, J Med Genet. 2010 47: 332-341, PMID: 19914906), and an increased risk for neuropsychiatric disorders including schizophrenia, bipolar disorder, psychosis and major depressive disorder (Degenhardt et al., Am J Med Genet B Neuropsychiatr Genet. 2012;159B(3):263-73, PMID: 22344817; Steinberg S, et. al., Mol Psychiatry. 2014 Jan;19(1):108-14, PMID: 23164818; Ahn K, et al., Mol Psychiatry. 2014 May;19(5):568-72, PMID: 23689535). Please note that this disorder has incomplete penetrance and variable expressivity.

GRCh37/hg19 16p11.2(chr16:29622758-30240227)x3

Genes: ALDOA (aldolase, fructose-bisphosphate A; plus strand), ASPHD1 (aspartate beta-hydroxylase domain containing 1; plus strand), BOLA2B (bolA family member 2B; minus strand), C16orf54 (chromosome 16 open reading frame 54; minus strand), C16orf92 (chromosome 16 open reading frame 92; plus strand) and 25 more. Cytogenetic location: 16p11.2.
Variant type: copy number gain.
Change: copy number 3 (three copies instead of two) of chr16:29,622,758-30,240,227 (617.5 kb, GRCh37 coordinates, 1-based), cytogenetic band 16p11.2.
Identifiers: ClinVar variation 1807842 (VCV001807842.1).